The following is an entry in ClinVar:

NM_170754.4(TNS2):c.1569G>A (p.Pro523=)

Gene: TNS2 (tensin 2; plus strand). Cytogenetic location: 12q13.13.
Variant type: single nucleotide variant.
Coding change: c.1569G>A on transcript NM_170754.4 (MANE Select); coding-DNA position 1569, G replaced by A.
Protein change: p.Pro523=; no amino-acid change (proline 523 retained).
Molecular consequence: synonymous variant.
Genome position (GRCh38, 1-based): chr12:53,059,210, G>A. VCF-style: chr12-53059210-G-A. GRCh37 (hg19) VCF-style: chr12-53452994-G-A.
Other names: c.1569G>A, p.Pro523= (NM_001416202.1); c.1527G>A, p.Pro509= (NM_001416203.1); c.1596G>A, p.Pro532= (NM_001416204.1); c.1500G>A, p.Pro500= (NM_015319.3); c.1197G>A, p.Pro399= (NM_198316.2).
Identifiers: ClinVar variation 2033337 (VCV002033337.28), dbSNP rs201649541, ClinGen allele CA6592402.

ClinVar aggregate classification (germline): Benign/Likely benign. Review status: criteria provided, multiple submitters, no conflicts (2 of 4 stars). 2 submissions from 2 submitters: Benign (1); Likely benign (1). Last evaluated 2026-01-05.

Allele frequency attached by ClinVar (database versions not stated): 1000 Genomes Project 30x 0.00203; 1000 Genomes Project 0.00220; TOPMed 0.00379; gnomAD 0.00391; ESP Exome Variant Server 0.00448; ExAC 0.00516.
gnomAD v4.1: 7,159 of 1,581,068 alleles (0.45%); highest among the groups gnomAD compares: Middle Eastern, 1.5%; 48 homozygotes.

Submissions (2):

Labcorp Genetics (formerly Invitae), Labcorp
Classification: Benign. Last evaluated: 2026-01-05. Review status: criteria provided, single submitter. Criteria: Invitae Variant Classification Sherloc (09022015). Collection method: clinical testing. Allele origin: germline.

CeGaT Center for Human Genetics Tuebingen
Classification: Likely benign. Last evaluated: 2025-05-01. Review status: criteria provided, single submitter. Criteria: CeGaT Center For Human Genetics Tuebingen Variant Classification Criteria Version 2. Collection method: clinical testing. Allele origin: germline. Affected: yes. Observed: 6 variant alleles.
Comment: TNS2: BP4, BP7, BS2